The following is an entry in ClinVar:

NM_000440.3(PDE6A):c.2400C>T (p.Asp800=)

Gene: PDE6A (phosphodiesterase 6A; minus strand). Cytogenetic location: 5q32.
Variant type: single nucleotide variant.
Coding change: c.2400C>T on transcript NM_000440.3 (MANE Select); coding-DNA position 2400, C replaced by T.
Protein change: p.Asp800=; no amino-acid change (aspartic acid 800 retained).
Molecular consequence: synonymous variant.
Genome position (GRCh38, 1-based): chr5:149,863,225, G>A on the plus strand (C>T on the coding strand, the complement: PDE6A is on the minus strand). VCF-style: chr5-149863225-G-A. GRCh37 (hg19) VCF-style: chr5-149242788-G-A.
Other names: p.D800D:GAC>GAT.
Identifiers: ClinVar variation 138636 (VCV000138636.14), dbSNP rs4705390, ClinGen allele CA292711.

ClinVar aggregate classification (germline): Benign. Review status: criteria provided, multiple submitters, no conflicts (2 of 4 stars). 4 submissions from 4 submitters: Benign (4). Last evaluated 2026-02-02.

Conditions:
Retinal dystrophy. Also called: Inherited retinal dystrophy. Identifiers: Orphanet 71862, MedGen C0854723, MeSH D058499, MONDO:0019118, HP:0000556.
Retinitis pigmentosa (RP). Identifiers: Orphanet 791, MedGen C0035334, MeSH D012174, MONDO:0019200, OMIM 268000. Inheritance: Autosomal dominant, autosomal recessive and X linked inheritance.

Allele frequency attached by ClinVar (database versions not stated): 1000 Genomes Project 0.02636; ESP Exome Variant Server 0.02668; 1000 Genomes Project 30x 0.02686; TOPMed 0.03148; gnomAD 0.03160 and 0.03204; ExAC 0.04342; gnomAD exomes 0.04724.
gnomAD v4.1: 64,370 of 1,613,876 alleles (4%); highest among the groups gnomAD compares: Admixed American, 10%; 1,655 homozygotes.

Submissions (4):

Labcorp Genetics (formerly Invitae), Labcorp
Classification: Benign. Last evaluated: 2026-02-02. Review status: criteria provided, single submitter. Criteria: Invitae Variant Classification Sherloc (09022015). Collection method: clinical testing. Allele origin: germline.

Dept Of Ophthalmology, Nagoya University
Classification: Benign for Retinal dystrophy. Last evaluated: 2023-10-01. Review status: criteria provided, single submitter. Criteria: Submitter's publication. Collection method: research. Allele origin: germline. Affected: yes.

Illumina Laboratory Services, Illumina
Classification: Benign for Retinitis pigmentosa. Last evaluated: 2018-01-13. Review status: criteria provided, single submitter. Criteria: ICSL Variant Classification Criteria 13 December 2019. Collection method: clinical testing. Allele origin: germline.
Comment: This variant was observed in the ICSL laboratory as part of a predisposition screen in an ostensibly healthy population. It had not been previously curated by ICSL or reported in the Human Gene Mutation Database (HGMD: prior to June 1st, 2018), and was therefore a candidate for classification through an automated scoring system. Utilizing variant allele frequency, disease prevalence and penetrance estimates, and inheritance mode, an automated score was calculated to assess if this variant is too frequent to cause the disease. Based on the score and internal cut-off values, a variant classified as benign is not then subjected to further curation. The score for this variant resulted in a classification of benign for this disease.

GeneDx
Classification: Benign. Last evaluated: 2011-07-20. Review status: criteria provided, single submitter. Criteria: GeneDx Variant Classification (06012015). Collection method: clinical testing. Allele origin: germline. Affected: yes.
Comment: This variant is considered likely benign or benign based on one or more of the following criteria: it is a conservative change, it occurs at a poorly conserved position in the protein, it is predicted to be benign by multiple in silico algorithms, and/or has population frequency not consistent with disease.